The following is an entry in ClinVar:

NM_014795.4(ZEB2):c.-52C>T

Gene: ZEB2 (zinc finger E-box binding homeobox 2; minus strand). Cytogenetic location: 2q22.3.
Variant type: single nucleotide variant.
Coding change: c.-52C>T on transcript NM_014795.4 (MANE Select); 52 bases upstream of the start codon, C replaced by T.
Molecular consequence: 5 prime UTR variant. On other transcripts: non-coding transcript variant (1).
Genome position (GRCh38, 1-based): chr2:144,517,402, G>A on the plus strand (C>T on the coding strand, the complement: ZEB2 is on the minus strand). VCF-style: chr2-144517402-G-A. GRCh37 (hg19) VCF-style: chr2-145274969-G-A.
Other names: c.-52C>T (NM_001171653.2).
Identifiers: ClinVar variation 513996 (VCV000513996.1), dbSNP rs1261328970, ClinGen allele CA536747284.

ClinVar aggregate classification (germline): Likely benign (1 of 4 stars; one submission).

Submission:

GeneDx
Classification: Likely benign. Last evaluated: 2017-12-18. Review status: criteria provided, single submitter. Criteria: GeneDx Variant Classification (06012015). Collection method: clinical testing. Allele origin: germline. Affected: yes.
Comment: This variant is considered likely benign or benign based on one or more of the following criteria: it is a conservative change, it occurs at a poorly conserved position in the protein, it is predicted to be benign by multiple in silico algorithms, and/or has population frequency not consistent with disease.